The following is an entry in ClinVar:

NM_000110.4(DPYD):c.2504A>C (p.Lys835Thr)

Genes: DPYD (dihydropyrimidine dehydrogenase; minus strand), DPYD-AS1 (DPYD antisense RNA 1; plus strand). Cytogenetic location: 1p21.3.
Variant type: single nucleotide variant.
Coding change: c.2504A>C on transcript NM_000110.4 (MANE Select); coding-DNA position 2504, A replaced by C.
Protein change: p.Lys835Thr; replaces lysine 835 with threonine.
Molecular consequence: missense variant.
Genome position (GRCh38, 1-based): chr1:97,193,187, T>G on the plus strand (A>C on the coding strand, the complement: DPYD is on the minus strand). VCF-style: chr1-97193187-T-G. GRCh37 (hg19) VCF-style: chr1-97658743-T-G.
Other names: short protein forms K835T.
Identifiers: ClinVar variation 5007328 (VCV005007328.2).

ClinVar aggregate classification (germline): Uncertain significance (1 of 4 stars; one submission).

Conditions:
Dihydropyrimidine dehydrogenase deficiency (DPYDD). Also called: Hereditary Thymine-Uraciluria; DPD DEFICIENCY; DPYD DEFICIENCY. Identifiers: Orphanet 1675, MedGen C1959620, MONDO:0010130, OMIM 274270.

Submission:

Juno Genomics, Hangzhou Juno Genomics, Inc
Classification: Uncertain significance for Dihydropyrimidine dehydrogenase deficiency. Review status: criteria provided, single submitter. Criteria: ACMG Guidelines, 2015. Collection method: clinical testing. Allele origin: germline.
Comment: Absent from controls (or at extremely low frequency if recessive) in Genome Aggregation Database.;Multiple lines of computational evidence support a deleterious effect on the gene or gene product.